The following is an entry in ClinVar:

NM_002473.6(MYH9):c.3785A>G (p.Asn1262Ser)

Gene: MYH9 (myosin heavy chain 9; minus strand). Cytogenetic location: 22q12.3.
Variant type: single nucleotide variant.
Coding change: c.3785A>G on transcript NM_002473.6 (MANE Select); coding-DNA position 3785, A replaced by G.
Protein change: p.Asn1262Ser; replaces asparagine 1262 with serine.
Molecular consequence: missense variant.
Genome position (GRCh38, 1-based): chr22:36,294,144, T>C on the plus strand (A>G on the coding strand, the complement: MYH9 is on the minus strand). VCF-style: chr22-36294144-T-C. GRCh37 (hg19) VCF-style: chr22-36690190-T-C.
Other names: c.3785A>G (NM_002473.4); short protein forms N1262S.
Identifiers: ClinVar variation 2997376 (VCV002997376.4), dbSNP rs138270050, ClinGen allele CA10209573.

ClinVar aggregate classification (germline): Conflicting classifications of pathogenicity. Review status: criteria provided, conflicting classifications (1 of 4 stars). 2 submissions from 2 submitters: Uncertain significance (1); Benign (1). Last evaluated 2024-11-11.

Allele frequency attached by ClinVar (database versions not stated): gnomAD exomes 0.00001; TOPMed 0.00001; ExAC 0.00002; gnomAD 0.00003; ESP Exome Variant Server 0.00008.
gnomAD v4.1: 12 of 1,612,516 alleles (0.00074%); highest among the groups gnomAD compares: African/African-American, 0.008%; no homozygotes.

Submissions (2):

GeneDx
Classification: Uncertain significance. Last evaluated: 2024-11-11. Review status: criteria provided, single submitter. Criteria: GeneDx Variant Classification Process June 2021. Collection method: clinical testing. Allele origin: germline. Affected: yes.
Comment: In silico analysis indicates that this missense variant does not alter protein structure/function; Has not been previously published as pathogenic or benign to our knowledge

Labcorp Genetics (formerly Invitae), Labcorp
Classification: Benign. Last evaluated: 2023-09-22. Review status: criteria provided, single submitter. Criteria: Invitae Variant Classification Sherloc (09022015). Collection method: clinical testing. Allele origin: germline.